The following is an entry in ClinVar:

ClinVar aggregate classification (germline): Uncertain significance (1 of 4 stars; one submission).

Conditions:
Hereditary cancer-predisposing syndrome. Also called: Hereditary Cancer Syndrome; Hereditary neoplastic syndrome; Tumor predisposition; Neoplastic Syndromes, Hereditary. Identifiers: Orphanet 140162, MedGen C0027672, MeSH D009386, MONDO:0015356.
Cardiovascular phenotype. Identifiers: MedGen CN230736.

Submission:

Ambry Genetics
Classification: Uncertain significance for Cardiovascular phenotype; Hereditary cancer-predisposing syndrome. Last evaluated: 2024-10-29. Review status: criteria provided, single submitter. Criteria: Ambry Variant Classification Scheme 2023. Collection method: clinical testing. Allele origin: germline.
Comment: The p.A291V variant (also known as c.872C>T), located in coding exon 9 of the LZTR1 gene, results from a C to T substitution at nucleotide position 872. The alanine at codon 291 is replaced by valine, an amino acid with similar properties. This amino acid position is conserved. In addition, the in silico prediction for this alteration is inconclusive. Based on the available evidence, the clinical significance of this variant remains unclear.

NM_006767.4(LZTR1):c.872C>T (p.Ala291Val)

Gene: LZTR1 (leucine zipper like post translational regulator 1; plus strand). Cytogenetic location: 22q11.21.
Variant type: single nucleotide variant.
Coding change: c.872C>T on transcript NM_006767.4 (MANE Select); coding-DNA position 872, C replaced by T.
Protein change: p.Ala291Val; replaces alanine 291 with valine.
Molecular consequence: missense variant.
Genome position (GRCh38, 1-based): chr22:20,991,708, C>T. VCF-style: chr22-20991708-C-T. GRCh37 (hg19) VCF-style: chr22-21345997-C-T.
Other names: short protein forms A291V.
Identifiers: ClinVar variation 3541687 (VCV003541687.1).